The following is an entry in ClinVar:

ClinVar aggregate classification (germline): Uncertain significance. Review status: criteria provided, multiple submitters, no conflicts (2 of 4 stars). 3 submissions from 3 submitters: Uncertain significance (3). Last evaluated 2024-06-04.

Conditions:
Hereditary spastic paraplegia 11. Also called: Spastic paraplegia, mental retardation and thin corpus callosum; SPASTIC PARAPLEGIA, AUTOSOMAL RECESSIVE, COMPLICATED, WITH THIN CORPUS CALLOSUM; SPASTIC PARAPLEGIA, AUTOSOMAL RECESSIVE, WITH MENTAL IMPAIRMENT AND THIN CORPUS CALLOSUM; Nakamura Osame syndrome; Autosomal recessive hereditary spastic paraplegia, mental impairment, and thin corpus callosum; Spastic Paraplegia 11. Identifiers: Orphanet 2822, MedGen C1858479, MONDO:0011445, OMIM 604360.
Inborn genetic diseases. Identifiers: MedGen C0950123, MeSH D030342.

Allele frequency attached by ClinVar (database versions not stated): gnomAD exomes 0.00001; TOPMed 0.00004.
gnomAD v4.1: 47 of 1,596,248 alleles (0.0029%); highest among the groups gnomAD compares: Non-Finnish European, 0.004%; no homozygotes.

Submissions (3):

Ambry Genetics
Classification: Uncertain significance for Inborn genetic diseases. Last evaluated: 2024-06-04. Review status: criteria provided, single submitter. Criteria: Ambry Variant Classification Scheme 2023. Collection method: clinical testing. Allele origin: germline.

GeneDx
Classification: Uncertain significance. Last evaluated: 2024-05-30. Review status: criteria provided, single submitter. Criteria: GeneDx Variant Classification Process June 2021. Collection method: clinical testing. Allele origin: germline. Affected: yes.
Comment: Not observed at significant frequency in large population cohorts (gnomAD); In silico analysis indicates that this missense variant does not alter protein structure/function; Has not been previously published as pathogenic or benign to our knowledge

Labcorp Genetics (formerly Invitae), Labcorp
Classification: Uncertain significance for Hereditary spastic paraplegia 11. Last evaluated: 2022-07-03. Review status: criteria provided, single submitter. Criteria: Invitae Variant Classification Sherloc (09022015). Collection method: clinical testing. Allele origin: germline.
Comment: This sequence change replaces alanine, which is neutral and non-polar, with valine, which is neutral and non-polar, at codon 11 of the SPG11 protein (p.Ala11Val). This variant is present in population databases (no rsID available, gnomAD 0.005%). This variant has not been reported in the literature in individuals affected with SPG11-related conditions. ClinVar contains an entry for this variant (Variation ID: 570986). Algorithms developed to predict the effect of missense changes on protein structure and function are either unavailable or do not agree on the potential impact of this missense change (SIFT: "Deleterious"; PolyPhen-2: "Not Available"; Align-GVGD: "Class C0"). In summary, the available evidence is currently insufficient to determine the role of this variant in disease. Therefore, it has been classified as a Variant of Uncertain Significance.

NM_025137.4(SPG11):c.32C>T (p.Ala11Val)

Gene: SPG11 (SPG11 vesicle trafficking associated, spatacsin; minus strand). Cytogenetic location: 15q21.1.
Variant type: single nucleotide variant.
Coding change: c.32C>T on transcript NM_025137.4 (MANE Select); coding-DNA position 32, C replaced by T.
Protein change: p.Ala11Val; replaces alanine 11 with valine.
Molecular consequence: missense variant.
Genome position (GRCh38, 1-based): chr15:44,663,616, G>A on the plus strand (C>T on the coding strand, the complement: SPG11 is on the minus strand). VCF-style: chr15-44663616-G-A. GRCh37 (hg19) VCF-style: chr15-44955814-G-A.
Other names: c.32C>T, p.Ala11Val (NM_001160227.2); short protein forms A11V.
Identifiers: ClinVar variation 570986 (VCV000570986.10), dbSNP rs911245988, ClinGen allele CA270114027.
Genomic context (GRCh38, chr15:44,663,616, plus strand): 5'-ACCAACAGCATCGGTAGAACCCGCCCCATGGCCGCGGTGCCCCAGCTACCGCCGGCGGAA[G>A]CAGCACTCGCGACCCCTTCCTCTGCAGCCATCTTGGCCCGGCGGTTACTTCCGGTCACTT-3'
Protein context (NP_079413.3, residues 1-21): MAAEEGVASA[Ala11Val]SAGGSWGTAA